The following is an entry in ClinVar:

NM_012470.4(TNPO3):c.696+213G>A

Gene: TNPO3 (transportin 3; minus strand). Cytogenetic location: 7q32.1.
Variant type: single nucleotide variant.
Coding change: c.696+213G>A on transcript NM_012470.4 (MANE Select); 213 bases into the intron after coding-DNA position 696, G replaced by A.
Molecular consequence: intron variant.
Genome position (GRCh38, 1-based): chr7:129,004,803, C>T on the plus strand (G>A on the coding strand, the complement: TNPO3 is on the minus strand). VCF-style: chr7-129004803-C-T. GRCh37 (hg19) VCF-style: chr7-128644857-C-T.
Other names: c.553-3569G>A (NM_001382221.1); c.696+213G>A (NM_001382222.1, NM_001382219.1, NM_001382223.1 and 4 more transcripts); c.777+213G>A (NM_001382217.1).
Identifiers: ClinVar variation 670772 (VCV000670772.1), dbSNP rs3807302, ClinGen allele CA12678609.
Genomic context (GRCh38, chr7:129,004,803, plus strand): 5'-GAAAAAGATACCAATGGTTATTTGGATTTTAATATGTAAATCATGTATCAACATATAAGA[C>T]TGTTTTCCTCTTAAACATAACTATATCCTATTAGGAGTATTAAAACTGATACTTCTAATT-3'

ClinVar aggregate classification (germline): Benign (1 of 4 stars; one submission).

Allele frequency attached by ClinVar (database versions not stated): 1000 Genomes Project 30x 0.59463; 1000 Genomes Project 0.59944; TOPMed 0.61985; gnomAD 0.63287 and 0.63325.
gnomAD v4.1: 96,356 of 152,100 alleles (63%); highest among the groups gnomAD compares: Middle Eastern, 70%; 30,862 homozygotes.

Submission:

GeneDx
Classification: Benign. Last evaluated: 2018-06-14. Review status: criteria provided, single submitter. Criteria: GeneDx Variant Classification (06012015). Collection method: clinical testing. Allele origin: germline. Affected: yes.
Comment: This variant is considered likely benign or benign based on one or more of the following criteria: it is a conservative change, it occurs at a poorly conserved position in the protein, it is predicted to be benign by multiple in silico algorithms, and/or has population frequency not consistent with disease.